The following is an entry in ClinVar:

NM_001142864.4(PIEZO1):c.7561G>C (p.Glu2521Gln)

Gene: PIEZO1 (piezo type mechanosensitive ion channel component 1 (Er blood group); minus strand). Cytogenetic location: 16q24.3.
Variant type: single nucleotide variant.
Coding change: c.7561G>C on transcript NM_001142864.4 (MANE Select); coding-DNA position 7561, G replaced by C.
Protein change: p.Glu2521Gln; replaces glutamic acid 2521 with glutamine.
Molecular consequence: missense variant.
Genome position (GRCh38, 1-based): chr16:88,715,610, C>G on the plus strand (G>C on the coding strand, the complement: PIEZO1 is on the minus strand). VCF-style: chr16-88715610-C-G. GRCh37 (hg19) VCF-style: chr16-88782018-C-G.
Other names: p.Glu2521Gln; c.6103G>C, p.Glu2035Gln (NM_014745.1); c.7561G>C (NM_001142864.3); short protein forms E2035Q, E2521Q.
Identifiers: ClinVar variation 2041916 (VCV002041916.8), dbSNP rs73262683, ClinGen allele CA8231288.
Genomic context (GRCh38, chr16:88,715,610, plus strand): 5'-TGGCCACGCTGCCCAGCAGGCCGGCTCCTTCCCTCTCGGGCGCCAGCAGCAGCTCCTACT[C>G]CTTCTCACGAGTCCACTTGATCATGGTCTCCGGTGAGCGGTAGAGGAAGATGAGCTTGGC-3'
Protein context (NP_001136336.2, residues 2511-2521): ETMIKWTREK[Glu2521Gln]

ClinVar aggregate classification (germline): Conflicting classifications of pathogenicity. Review status: criteria provided, conflicting classifications (1 of 4 stars). 5 submissions from 5 submitters: Uncertain significance (1); Benign (1); Likely benign (3). Last evaluated 2026-01-20.

Conditions:
PIEZO1-related disorder. Also called: PIEZO1-related condition; PIEZO1-Related Disorders.
Inborn genetic diseases. Identifiers: MedGen C0950123, MeSH D030342.

Allele frequency attached by ClinVar (database versions not stated): ExAC 0.00029; TOPMed 0.00116; 1000 Genomes Project 0.00120; 1000 Genomes Project 30x 0.00156.
gnomAD v4.1: 293 of 1,549,802 alleles (0.019%); highest among the groups gnomAD compares: African/African-American, 0.35%; 1 homozygote.

Submissions (5):

Labcorp Genetics (formerly Invitae), Labcorp
Classification: Benign. Last evaluated: 2026-01-20. Review status: criteria provided, single submitter. Criteria: Invitae Variant Classification Sherloc (09022015). Collection method: clinical testing. Allele origin: germline.

Mayo Clinic Laboratories, Mayo Clinic
Classification: Likely benign. Last evaluated: 2025-02-28. Review status: criteria provided, single submitter. Criteria: ACMG Guidelines, 2015. Collection method: clinical testing. Allele origin: germline. Observed: 5 variant alleles.
Comment: BS1, BP4_moderate

ARUP Laboratories, Molecular Genetics and Genomics, ARUP Laboratories
Classification: Likely benign. Last evaluated: 2025-02-27. Review status: criteria provided, single submitter. Criteria: ARUP Molecular Germline Variant Investigation Process 2024. Collection method: clinical testing. Allele origin: germline.

PreventionGenetics, part of Exact Sciences
Classification: Likely benign for PIEZO1-related condition. Last evaluated: 2024-10-27. Review status: criteria provided, single submitter. Criteria: ACMG Guidelines, 2015. Collection method: clinical testing. Allele origin: germline.
Comment: This variant is classified as likely benign based on ACMG/AMP sequence variant interpretation guidelines (Richards et al. 2015 PMID: 25741868, with internal and published modifications).

Ambry Genetics
Classification: Uncertain significance for Inborn genetic diseases. Last evaluated: 2022-10-03. Review status: criteria provided, single submitter. Criteria: Ambry Variant Classification Scheme 2023. Collection method: clinical testing. Allele origin: germline.